The following is an entry in ClinVar:

NM_019066.5(MAGEL2):c.2343G>T (p.Glu781Asp)

Gene: MAGEL2 (MAGE family member L2; minus strand). Cytogenetic location: 15q11.2.
Variant type: single nucleotide variant.
Coding change: c.2343G>T on transcript NM_019066.5 (MANE Select); coding-DNA position 2343, G replaced by T.
Protein change: p.Glu781Asp; replaces glutamic acid 781 with aspartic acid.
Molecular consequence: missense variant.
Genome position (GRCh38, 1-based): chr15:23,645,400, C>A on the plus strand (G>T on the coding strand, the complement: MAGEL2 is on the minus strand). VCF-style: chr15-23645400-C-A. GRCh37 (hg19) VCF-style: chr15-23890547-C-A.
Other names: c.2343G>T (NM_019066.4); short protein forms E781D.
Identifiers: ClinVar variation 1184407 (VCV001184407.7), dbSNP rs772413215, ClinGen allele CA7429907.

ClinVar aggregate classification (germline): Uncertain significance. Review status: criteria provided, multiple submitters, no conflicts (2 of 4 stars). 3 submissions from 3 submitters: Uncertain significance (3). Last evaluated 2025-09-24.

Conditions:
MAGEL2-related disorder. Also called: MAGEL2-related condition.
Schaaf-Yang syndrome (SHFYNG). Also called: Arthrogryposis, distal, with hypopituitarism, intellectual disability, and facial anomalies; MAGEL2-related Prader-Willi-like syndrome. Identifiers: Orphanet 398069, MedGen C5575066, MONDO:0014243, OMIM 615547.

Allele frequency attached by ClinVar (database versions not stated): ExAC 0.00001; gnomAD 0.00001; gnomAD exomes 0.00001; TOPMed 0.00002.

Submissions (3):

Labcorp Genetics (formerly Invitae), Labcorp
Classification: Uncertain significance. Last evaluated: 2025-09-24. Review status: criteria provided, single submitter. Criteria: Invitae Variant Classification Sherloc (09022015). Collection method: clinical testing. Allele origin: germline.
Comment: This sequence change replaces glutamic acid, which is acidic and polar, with aspartic acid, which is acidic and polar, at codon 781 of the MAGEL2 protein (p.Glu781Asp). This variant is present in population databases (rs772413215, gnomAD 0.006%). This variant has not been reported in the literature in individuals affected with MAGEL2-related conditions. ClinVar contains an entry for this variant (Variation ID: 1184407). Invitae Evidence Modeling of protein sequence and biophysical properties (such as structural, functional, and spatial information, amino acid conservation, physicochemical variation, residue mobility, and thermodynamic stability) indicates that this missense variant is not expected to disrupt MAGEL2 protein function with a negative predictive value of 80%. In summary, the available evidence is currently insufficient to determine the role of this variant in disease. Therefore, it has been classified as a Variant of Uncertain Significance.

PreventionGenetics, part of Exact Sciences
Classification: Uncertain significance for MAGEL2-related condition. Last evaluated: 2024-11-26. Review status: criteria provided, single submitter. Criteria: ACMG Guidelines, 2015. Collection method: clinical testing. Allele origin: germline.
Comment: The MAGEL2 c.2343G>T variant is predicted to result in the amino acid substitution p.Glu781Asp. To our knowledge, this variant has not been reported in the literature. This variant is reported in 0.0058% of alleles in individuals of Latino descent in gnomAD. At this time, the clinical significance of this variant is uncertain due to the absence of conclusive functional and genetic evidence.

New York Genome Center
Classification: Uncertain significance for Schaaf-Yang syndrome. Last evaluated: 2020-07-15. Review status: criteria provided, single submitter. Criteria: NYGC Assertion Criteria 2020. Collection method: clinical testing. Allele origin: inherited. Observed: 1 heterozygote. Study: CSER-NYCKidSeq.